The following is an entry in ClinVar:

ClinVar aggregate classification (germline): Likely benign. Review status: criteria provided, multiple submitters, no conflicts (2 of 4 stars). 4 submissions from 4 submitters: Likely benign (4). Last evaluated 2026-09-21.

Conditions:
Cardiovascular phenotype. Identifiers: MedGen CN230736.
ALPK3-related disorder. Also called: ALPK3-related condition.

Allele frequency attached by ClinVar (database versions not stated): gnomAD 0.00009 and 0.00007; ExAC 0.00002; ESP Exome Variant Server 0.00015; TOPMed 0.00005; gnomAD exomes 0.00001.
gnomAD v4.1: 19 of 1,613,606 alleles (0.0012%); highest among the groups gnomAD compares: African/African-American, 0.021%; no homozygotes.

Submissions (4):

Molecular Diagnostic Laboratory for Inherited Cardiovascular Disease, Montreal Heart Institute
Classification: Likely benign. Last evaluated: 2026-09-21. Review status: criteria provided, single submitter. Criteria: ACMG Guidelines, 2015. Collection method: clinical testing. Allele origin: germline. Affected: no.
Comment: BP7

PreventionGenetics, part of Exact Sciences
Classification: Likely benign for ALPK3-related condition. Last evaluated: 2025-10-16. Review status: criteria provided, single submitter. Criteria: ACMG Guidelines, 2015. Collection method: clinical testing. Allele origin: germline.
Comment: This variant is classified as likely benign based on ACMG/AMP sequence variant interpretation guidelines (Richards et al. 2015 PMID: 25741868, with internal and published modifications).

Labcorp Genetics (formerly Invitae), Labcorp
Classification: Likely benign. Last evaluated: 2025-10-02. Review status: criteria provided, single submitter. Criteria: Invitae Variant Classification Sherloc (09022015). Collection method: clinical testing. Allele origin: germline.

Ambry Genetics
Classification: Likely benign for Cardiovascular phenotype. Last evaluated: 2022-04-19. Review status: criteria provided, single submitter. Criteria: Ambry Variant Classification Scheme 2023. Collection method: clinical testing. Allele origin: germline.

NM_020778.5(ALPK3):c.654C>G (p.Pro218=)

Gene: ALPK3 (alpha kinase 3; plus strand). Cytogenetic location: 15q25.3.
Variant type: single nucleotide variant.
Coding change: c.654C>G on transcript NM_020778.5 (MANE Select); coding-DNA position 654, C replaced by G.
Protein change: p.Pro218=; no amino-acid change (proline 218 retained).
Molecular consequence: synonymous variant.
Genome position (GRCh38, 1-based): chr15:84,839,933, C>G. VCF-style: chr15-84839933-C-G. GRCh37 (hg19) VCF-style: chr15-85383164-C-G.
Identifiers: ClinVar variation 1671332 (VCV001671332.12), dbSNP rs145729582, ClinGen allele CA7709030.